The following is an entry in ClinVar:

ClinVar aggregate classification (germline): Uncertain significance (1 of 4 stars; one submission).

gnomAD v4.1: 1 of 1,614,202 alleles (0.000062%); highest among the groups gnomAD compares: South Asian, 0.0011%; no homozygotes.

Submission:

CeGaT Center for Human Genetics Tuebingen
Classification: Uncertain significance. Last evaluated: 2026-01-01. Review status: criteria provided, single submitter. Criteria: CeGaT Center For Human Genetics Tuebingen Variant Classification Criteria Version 2. Collection method: clinical testing. Allele origin: germline. Affected: yes. Observed: 1 variant allele.
Comment: EP300: PM2, BP4

NM_001429.4(EP300):c.322G>C (p.Ala108Pro)

Gene: EP300 (EP300 lysine acetyltransferase; plus strand). Cytogenetic location: 22q13.2.
Variant type: single nucleotide variant.
Coding change: c.322G>C on transcript NM_001429.4 (MANE Select); coding-DNA position 322, G replaced by C.
Protein change: p.Ala108Pro; replaces alanine 108 with proline.
Molecular consequence: missense variant.
Genome position (GRCh38, 1-based): chr22:41,117,414, G>C. VCF-style: chr22-41117414-G-C. GRCh37 (hg19) VCF-style: chr22-41513418-G-C.
Other names: c.322G>C, p.Ala108Pro (NM_001362843.2); short protein forms A108P.
Identifiers: ClinVar variation 4822927 (VCV004822927.4).